The following is an entry in ClinVar:

ClinVar aggregate classification (germline): Uncertain significance (1 of 4 stars; one submission).

Conditions:
Cardiovascular phenotype. Identifiers: MedGen CN230736.

gnomAD v4.1: 1 of 1,614,134 alleles (0.000062%); no homozygotes.

Submission:

Ambry Genetics
Classification: Uncertain significance for Cardiovascular phenotype. Last evaluated: 2019-01-16. Review status: criteria provided, single submitter. Criteria: Ambry Variant Classification Scheme 2023. Collection method: clinical testing. Allele origin: germline.
Comment: The p.T288A variant (also known as c.862A>G), located in coding exon 4 of the JUP gene, results from an A to G substitution at nucleotide position 862. The threonine at codon 288 is replaced by alanine, an amino acid with similar properties. This amino acid position is highly conserved in available vertebrate species. In addition, the in silico prediction for this alteration is inconclusive. Since supporting evidence is limited at this time, the clinical significance of this alteration remains unclear.

NM_002230.4(JUP):c.862A>G (p.Thr288Ala)

Gene: JUP (junction plakoglobin; minus strand). Cytogenetic location: 17q21.2.
Variant type: single nucleotide variant.
Coding change: c.862A>G on transcript NM_002230.4 (MANE Select); coding-DNA position 862, A replaced by G.
Protein change: p.Thr288Ala; replaces threonine 288 with alanine.
Molecular consequence: missense variant.
Genome position (GRCh38, 1-based): chr17:41,767,426, T>C on the plus strand (A>G on the coding strand, the complement: JUP is on the minus strand). VCF-style: chr17-41767426-T-C. GRCh37 (hg19) VCF-style: chr17-39923678-T-C.
Other names: c.862A>G, p.Thr288Ala (NM_001352773.2, NM_001352774.2, NM_001352775.2 and 3 more transcripts); short protein forms T288A.
Identifiers: ClinVar variation 1764088 (VCV001764088.2), dbSNP rs546349982, ClinGen allele CA290700008.